The following is an entry in ClinVar:

NM_001378454.1(ALMS1):c.5583T>A (p.Tyr1861Ter)

Gene: ALMS1 (ALMS1 centrosome and basal body associated protein; plus strand). Cytogenetic location: 2p13.1.
Variant type: single nucleotide variant.
Coding change: c.5583T>A on transcript NM_001378454.1 (MANE Select); coding-DNA position 5583, T replaced by A.
Protein change: p.Tyr1861Ter; replaces tyrosine 1861 with a stop codon.
Molecular consequence: nonsense.
Genome position (GRCh38, 1-based): chr2:73,452,110, T>A. VCF-style: chr2-73452110-T-A. GRCh37 (hg19) VCF-style: chr2-73679237-T-A.
Other names: c.5586T>A, p.Tyr1862Ter (NM_015120.4); short protein forms Y1862*, Y1861*.
Identifiers: ClinVar variation 2842546 (VCV002842546.4), dbSNP rs745677541, ClinGen allele CA347282648.

ClinVar aggregate classification (germline): Pathogenic/Likely pathogenic. Review status: criteria provided, multiple submitters, no conflicts (2 of 4 stars). 2 submissions from 2 submitters: Pathogenic (1); Likely pathogenic (1). Last evaluated 2023-06-15.

Conditions:
Alstrom syndrome (ALMS). Identifiers: Orphanet 64, MedGen C0268425, MONDO:0008763, OMIM 203800.
ALMS1-related disorder. Also called: ALMS1-related condition.

Submissions (2):

Labcorp Genetics (formerly Invitae), Labcorp
Classification: Pathogenic for Alstrom syndrome. Last evaluated: 2023-06-15. Review status: criteria provided, single submitter. Criteria: Invitae Variant Classification Sherloc (09022015). Collection method: clinical testing. Allele origin: germline.
Comment: For these reasons, this variant has been classified as Pathogenic. This premature translational stop signal has been observed in individual(s) with Alstrom disease (PMID: 24534407). This variant is not present in population databases (gnomAD no frequency). This sequence change creates a premature translational stop signal (p.Tyr1862*) in the ALMS1 gene. It is expected to result in an absent or disrupted protein product. Loss-of-function variants in ALMS1 are known to be pathogenic (PMID: 17594715).

Blueprint Genetics
Classification: Likely pathogenic for ALMS1-related disorders. Last evaluated: 2021-10-26. Review status: criteria provided, single submitter. Criteria: ACMG Guidelines, 2015. Collection method: clinical testing. Allele origin: germline. Affected: yes. Observed: 1 variant allele.

Literature cited by the submitters: PubMed 24534407 (cited by Labcorp Genetics (formerly Invitae), Labcorp); PubMed 17594715 (cited by Labcorp Genetics (formerly Invitae), Labcorp).